The following is an entry in ClinVar:

NM_022114.4(PRDM16):c.3201G>C (p.Glu1067Asp)

Gene: PRDM16 (PR/SET domain 16; plus strand). Cytogenetic location: 1p36.32.
Variant type: single nucleotide variant.
Coding change: c.3201G>C on transcript NM_022114.4 (MANE Select); coding-DNA position 3201, G replaced by C.
Protein change: p.Glu1067Asp; replaces glutamic acid 1067 with aspartic acid.
Molecular consequence: missense variant.
Genome position (GRCh38, 1-based): chr1:3,426,142, G>C. VCF-style: chr1-3426142-G-C. GRCh37 (hg19) VCF-style: chr1-3342706-G-C.
Other names: c.3201G>C, p.Glu1067Asp (NM_199454.3); short protein forms E1067D.
Identifiers: ClinVar variation 1947822 (VCV001947822.5), dbSNP rs752323177, ClinGen allele CA544773.

ClinVar aggregate classification (germline): Uncertain significance (1 of 4 stars; one submission).

Conditions:
Left ventricular noncompaction 8 (LVNC8). Identifiers: Orphanet 154, Orphanet 54260, MedGen C3809288, MONDO:0014152, OMIM 615373.

Allele frequency attached by ClinVar (database versions not stated): ExAC 0.00001.
gnomAD v4.1: 1 of 1,613,970 alleles (0.000062%); highest among the groups gnomAD compares: Non-Finnish European, 0.000085%; no homozygotes.

Submission:

Labcorp Genetics (formerly Invitae), Labcorp
Classification: Uncertain significance for Left ventricular noncompaction 8. Last evaluated: 2022-10-19. Review status: criteria provided, single submitter. Criteria: Invitae Variant Classification Sherloc (09022015). Collection method: clinical testing. Allele origin: germline.
Comment: This variant is present in population databases (rs752323177, gnomAD 0.0009%). This sequence change replaces glutamic acid, which is acidic and polar, with aspartic acid, which is acidic and polar, at codon 1067 of the PRDM16 protein (p.Glu1067Asp). This variant has not been reported in the literature in individuals affected with PRDM16-related conditions. In summary, the available evidence is currently insufficient to determine the role of this variant in disease. Therefore, it has been classified as a Variant of Uncertain Significance. Algorithms developed to predict the effect of missense changes on protein structure and function are either unavailable or do not agree on the potential impact of this missense change (SIFT: "Deleterious"; PolyPhen-2: "Benign"; Align-GVGD: "Class C35").